The following is an entry in ClinVar:

ClinVar aggregate classification (germline): Likely benign (1 of 4 stars; one submission).

Allele frequency attached by ClinVar (database versions not stated): gnomAD exomes 0.00005; ExAC 0.00011; 1000 Genomes Project 30x 0.00047; 1000 Genomes Project 0.00060.
gnomAD v4.1: 86 of 1,612,382 alleles (0.0053%); highest among the groups gnomAD compares: African/African-American, 0.023%; no homozygotes.

Submission:

CeGaT Center for Human Genetics Tuebingen
Classification: Likely benign. Last evaluated: 2022-11-01. Review status: criteria provided, single submitter. Criteria: CeGaT Center For Human Genetics Tuebingen Variant Classification Criteria Version 2. Collection method: clinical testing. Allele origin: germline. Affected: yes. Observed: 1 variant allele.
Comment: C2orf69: BP4, BP7

NM_153689.6(C2orf69):c.375A>G (p.Gln125=)

Gene: C2orf69 (chromosome 2 open reading frame 69; plus strand). Cytogenetic location: 2q33.1.
Variant type: single nucleotide variant.
Coding change: c.375A>G on transcript NM_153689.6 (MANE Select); coding-DNA position 375, A replaced by G.
Protein change: p.Gln125=; no amino-acid change (glutamine 125 retained).
Molecular consequence: synonymous variant.
Genome position (GRCh38, 1-based): chr2:199,925,103, A>G. VCF-style: chr2-199925103-A-G. GRCh37 (hg19) VCF-style: chr2-200789826-A-G.
Identifiers: ClinVar variation 2651808 (VCV002651808.24), dbSNP rs190789042, ClinGen allele CA2046310.
Genomic context (GRCh38, chr2:199,925,103, plus strand): 5'-CATCTTTCTTACCTTTCAGAATTACCATGAAATTATGACTCGTCATCCTGAGAATTATCA[A>G]TGGGAAAACTGGAGTCTAGAAAATGTTGCTACCATTTTAGCCCACCGGTTCCCCAATAGT-3'
Protein context (NP_710156.3, residues 115-135): EIMTRHPENY[Gln125=]WENWSLENVA